The following is an entry in ClinVar:

NM_000059.4(BRCA2):c.6466_6469del (p.Ser2156fs)

Gene: BRCA2 (BRCA2 DNA repair associated; plus strand). Cytogenetic location: 13q13.1.
Variant type: Microsatellite.
Coding change: c.6466_6469del on transcript NM_000059.4 (MANE Select); coding-DNA positions 6466 to 6469, 4 bases deleted (TCTC; older notation c.6466_6469delTCTC).
Protein change: p.Ser2156fs; shifts the reading frame from serine 2156.
Molecular consequence: frameshift variant.
Genome position (GRCh38, 1-based): chr13:32,340,821-32,340,824, TCTC deleted; deleting any 4 consecutive bases within chr13:32,340,817-32,340,824 gives the same sequence; the c. name uses the placement nearest the transcript's 3' end. VCF-style (leftmost placement, unchanged base first): chr13-32340816-ATCTC-A. GRCh37 (hg19) VCF-style: chr13-32914953-ATCTC-A.
Other names: c.6466_6469delTCTC (NM_000059.3); short protein forms S2156fs.
Identifiers: ClinVar variation 252446 (VCV000252446.26), dbSNP rs80359596, ClinGen allele CA6940957.

ClinVar aggregate classification (germline): Pathogenic. Review status: reviewed by expert panel (3 of 4 stars). 14 submissions from 13 submitters: Pathogenic (1). 13 of the submissions do not count toward it. Last evaluated 2016-09-08.

Conditions:
Familial cancer of breast. Also called: hereditary breast carcinoma; BREAST CANCER, FAMILIAL; Hereditary breast cancer. Identifiers: Orphanet 227535, MedGen C0346153, MONDO:0016419, OMIM 114480. Disease mechanism: loss of function.
Breast-ovarian cancer, familial, susceptibility to, 2 (BROVCA2). Also called: BRCA2 Hereditary Breast and Ovarian Cancer. Identifiers: Orphanet 145, MedGen C2675520, MONDO:0012933, OMIM 612555. Disease mechanism: loss of function.
Wilms tumor 1 (WT1). Also called: Wilms tumor, somatic. Identifiers: Orphanet 654, MedGen CN033288, MONDO:0008679, OMIM 194070.
Pancreatic cancer, susceptibility to, 2. Identifiers: Orphanet 1333, MedGen C3150546, MONDO:0013235, OMIM 613347.
Glioma susceptibility 3 (GLM3). Also called: Glioblastoma 3. Identifiers: Orphanet 182067, Orphanet 360, MedGen C2751641, MONDO:0013093, OMIM 613029.
Familial prostate cancer. Also called: Hereditary Prostate Cancer. Identifiers: MedGen C2931456, MONDO:0700275, OMIM 176807.
Fanconi anemia complementation group D1. Also called: BRCA2-Related Fanconi Anemia. Identifiers: Orphanet 319462, MedGen C1838457, MONDO:0011584, OMIM 605724.
Medulloblastoma (MDB). Also called: Medulloblastoma, somatic; MEDULLOBLASTOMA PREDISPOSITION SYNDROME. Identifiers: Orphanet 616, MedGen C0025149, MeSH D008527, MONDO:0007959, OMIM 155255, HP:0002885.
Breast and/or ovarian cancer. Identifiers: MedGen CN221562.
Hereditary cancer-predisposing syndrome. Also called: Neoplastic Syndromes, Hereditary; Tumor predisposition; Hereditary neoplastic syndrome; Hereditary Cancer Syndrome. Identifiers: Orphanet 140162, MedGen C0027672, MeSH D009386, MONDO:0015356.
Hereditary breast ovarian cancer syndrome. Also called: Hereditary breast and ovarian cancer syndrome; Hereditary breast and ovarian cancer syndrome (HBOC); Breast and ovarian cancer; BRCA1- and BRCA2-Associated Hereditary Breast and Ovarian Cancer; Hereditary breast and/or ovarian cancer syndrome; Hereditary breast and ovarian cancer. Identifiers: Orphanet 145, MedGen C0677776, MeSH D061325, MONDO:0003582. Disease mechanism: loss of function.
Malignant tumor of breast. Also called: Cancer breast; Malignant breast neoplasm. Identifiers: MedGen C0006142, MONDO:0007254. Disease mechanism: loss of function.

Submissions (14):

Evidence-based Network for the Interpretation of Germline Mutant Alleles (ENIGMA)
Classification: Pathogenic for Breast-ovarian cancer, familial, susceptibility to, 2. Last evaluated: 2016-09-08. Review status: reviewed by expert panel. Criteria: ENIGMA BRCA1/2 Classification Criteria (2015). Collection method: curation. Allele origin: germline.
Comment: Variant allele predicted to encode a truncated non-functional protein.

GeneKor MSA
Classification: Pathogenic for Hereditary breast ovarian cancer syndrome. Last evaluated: 2025-06-17. Review status: criteria provided, single submitter. Criteria: ACMG Guidelines, 2015. Collection method: clinical testing. Allele origin: germline. Affected: yes. Not counted in ClinVar's aggregate classification.
Comment: This variant is a deletion of 4 nucleotides in exon 11 of the BRCA2 mRNA, c.(6466_6469delTCTC), causing a frameshift after codon 2156 and the creation of a premature translational stop signal 11 amino acid residues later p.(Ser2156Asnfs*11). This is expected to result in an absent or disrupted protein product. Truncating variants in the BRCA2 gene are known to be pathogenic (PMID:20104584). This variant is present in population databases (rs80359596). ClinVar contains entries for this variant where is listed as pathogenic (VCV000252446.23). Based on the classification criteria set by the ACMG and AMP (PMID:25741868), this variant has been classified as pathogenic.

Labcorp Genetics (formerly Invitae), Labcorp
Classification: Pathogenic for Hereditary breast ovarian cancer syndrome. Last evaluated: 2024-02-01. Review status: criteria provided, single submitter. Criteria: Invitae Variant Classification Sherloc (09022015). Collection method: clinical testing. Allele origin: germline. Not counted in ClinVar's aggregate classification.
Comment: This sequence change creates a premature translational stop signal (p.Ser2156Asnfs*11) in the BRCA2 gene. It is expected to result in an absent or disrupted protein product. Loss-of-function variants in BRCA2 are known to be pathogenic (PMID: 20104584). This variant is present in population databases (rs748536459, gnomAD 0.0009%). This premature translational stop signal has been observed in individual(s) with personal or family histories of breast and/or ovarian cancer (PMID: 28724667, 29310832, 29752822, 30702160). This variant is also known as c.6462_6465del (p.Y2154fs). ClinVar contains an entry for this variant (Variation ID: 252446). For these reasons, this variant has been classified as Pathogenic.

Ambry Genetics
Classification: Pathogenic for Hereditary cancer-predisposing syndrome. Last evaluated: 2023-09-20. Review status: criteria provided, single submitter. Criteria: Ambry Variant Classification Scheme 2023. Collection method: clinical testing. Allele origin: germline. Not counted in ClinVar's aggregate classification.
Comment: The c.6466_6469delTCTC pathogenic mutation, located in coding exon 10 of the BRCA2 gene, results from a deletion of 4 nucleotides at nucleotide positions 6466 to 6469, causing a translational frameshift with a predicted alternate stop codon (p.S2156Nfs*11). This alteration is expected to result in loss of function by premature protein truncation or nonsense-mediated mRNA decay. As such, this alteration is interpreted as a disease-causing mutation.

Revvity Omics, Revvity
Classification: Likely pathogenic. Last evaluated: 2021-12-21. Review status: criteria provided, single submitter. Criteria: ACMG Guidelines, 2015. Collection method: clinical testing. Allele origin: germline. Not counted in ClinVar's aggregate classification.

Institute of Medical Genetics and Applied Genomics, University Hospital Tübingen
Classification: Pathogenic. Last evaluated: 2020-10-23. Review status: criteria provided, single submitter. Criteria: ACMG Guidelines, 2015. Collection method: clinical testing. Allele origin: germline. Inheritance: Unknown mechanism. Affected: yes. Not counted in ClinVar's aggregate classification.

Consortium of Investigators of Modifiers of BRCA1/2 (CIMBA), c/o University of Cambridge
Classification: Pathogenic for Breast-ovarian cancer, familial, susceptibility to, 2. Last evaluated: 2015-10-02. Review status: criteria provided, single submitter. Criteria: CIMBA Mutation Classification guidelines May 2016. Collection method: clinical testing. Allele origin: germline. Not counted in ClinVar's aggregate classification.

Clinical Genetics and Genomics, Karolinska University Hospital
Classification: Pathogenic. Last evaluated: 2014-10-30. Review status: criteria provided, single submitter. Criteria: ACMG Guidelines, 2015. Collection method: clinical testing. Allele origin: germline. Affected: yes. Observed: 1 variant allele. Not counted in ClinVar's aggregate classification.

Department of Pathology and Laboratory Medicine, Sinai Health System
Classification: Pathogenic for Familial cancer of breast; Breast-ovarian cancer, familial, susceptibility to, 2. Last evaluated: 2012-07-30. Review status: criteria provided, single submitter. Criteria: ACMG Guidelines, 2015. Collection method: clinical testing. Allele origin: germline. Affected: yes. Not counted in ClinVar's aggregate classification.

Juno Genomics, Hangzhou Juno Genomics, Inc
Classification: Pathogenic for Familial cancer of breast; Breast-ovarian cancer, familial, susceptibility to, 2; Glioma susceptibility 3; Medulloblastoma; Pancreatic cancer, susceptibility to, 2; Familial prostate cancer; Fanconi anemia complementation group D1; Wilms tumor 1. Review status: criteria provided, single submitter. Criteria: ACMG Guidelines, 2015. Collection method: clinical testing. Allele origin: germline. Affected: yes. Not counted in ClinVar's aggregate classification.
Comment: Absent from controls (or at extremely low frequency if recessive) in Genome Aggregation Database, Exome Sequencing Project, 1000 Genomes Project, or Exome Aggregation Consortium.;Null variant in a gene where loss of function (LOF) is a known mechanism of disease.;The prevalence of the variant in affected individuals is significantly increased compared to the prevalence in controls.

BRCAlab, Lund University
Classification: Pathogenic for Breast-ovarian cancer, familial, susceptibility to, 2. Last evaluated: 2020-03-02. Review status: no assertion criteria provided. Collection method: clinical testing. Allele origin: germline. Affected: yes. Not counted in ClinVar's aggregate classification.

Research Molecular Genetics Laboratory, Women's College Hospital, University of Toronto
Classification: Pathogenic for Hereditary breast ovarian cancer syndrome. Last evaluated: 2014-01-31. Review status: no assertion criteria provided. Collection method: research. Allele origin: germline. Affected: yes. Study: The Canadian Open Genetics Repository (COGR). Not counted in ClinVar's aggregate classification.

Foulkes Cancer Genetics LDI, Lady Davis Institute for Medical Research
Classification: Pathogenic for Breast and/or ovarian cancer. Last evaluated: 2012-07-06. Review status: no assertion criteria provided. Collection method: clinical testing. Allele origin: germline. Study: The Canadian Open Genetics Repository (COGR). Not counted in ClinVar's aggregate classification.

Department of Pathology and Laboratory Medicine, Sinai Health System
Classification: Pathogenic for Malignant tumor of breast. Review status: no assertion criteria provided. Collection method: clinical testing. Allele origin: unknown. Affected: yes. Study: The Canadian Open Genetics Repository (COGR). Not counted in ClinVar's aggregate classification.
Comment: The p.Asn2135LysfsX3 deletion variant has been reported in the literature in 6/4516 proband chromosomes of individuals with invasive epithelial ovarian carcinoma and prostate cancer; although no control chromosomes were tested to establish the variants frequency in the general population (Zhang 2011; Kote-Jarai 2011). In the latter reference, one patient had a family history of breast cancer [sister, mother, aunt], as well as incidences of other malignancies such as cancer of the pancreas, leukemia, skin and gliomas. The variant has been reported in the UMD (x28), HGMD as well as BIC database (x13) as a variant of clinical importance. It is listed in dbSNP database as coming from a "clinical source" (ID#: rs80359584) but no frequency information was provided therefore not very informative for assessing the population frequency. This variant is predicted to cause a frameshift, which alters the protein's amino acid sequence beginning at codon 2135 and leads to a premature stop codon, 3 codons downstream. This alteration is then predicted to lead to a truncated or absent protein and loss of function. Loss of function variants of the BRCA2 gene are an established mechanism of disease in hereditary breast and ovarian cancer. In summary, based on the above information, this variant is classified as pathogenic.

Literature cited by the submitters: PubMed 20104584 (cited by GeneKor MSA and Labcorp Genetics (formerly Invitae), Labcorp); PubMed 28724667 (cited by Labcorp Genetics (formerly Invitae), Labcorp); PubMed 29310832 (cited by Labcorp Genetics (formerly Invitae), Labcorp); PubMed 29752822 (cited by Labcorp Genetics (formerly Invitae), Labcorp); PubMed 30702160 (cited by Labcorp Genetics (formerly Invitae), Labcorp).